The following is an entry in ClinVar:

NM_183235.3(RAB27A):c.*2160A>G

Gene: RAB27A (RAB27A, member RAS oncogene family; minus strand). Cytogenetic location: 15q21.3.
Variant type: single nucleotide variant.
Coding change: c.*2160A>G on transcript NM_183235.3 (MANE Select); 2160 bases downstream of the stop codon, A replaced by G.
Molecular consequence: 3 prime UTR variant.
Genome position (GRCh38, 1-based): chr15:55,203,347, T>C on the plus strand (A>G on the coding strand, the complement: RAB27A is on the minus strand). VCF-style: chr15-55203347-T-C. GRCh37 (hg19) VCF-style: chr15-55495545-T-C.
Other names: c.*2160A>G (NM_004580.5, NM_183234.3, NM_183236.3).
Identifiers: ClinVar variation 888021 (VCV000888021.5), dbSNP rs62020099, ClinGen allele CA271241867.

ClinVar aggregate classification (germline): Likely benign. Review status: criteria provided, multiple submitters, no conflicts (2 of 4 stars). 2 submissions from 2 submitters: Likely benign (2). Last evaluated 2018-01-13.

Conditions:
Griscelli syndrome type 2 (GS2). Also called: GRISCELLI SYNDROME WITH HEMOPHAGOCYTIC SYNDROME; PAID SYNDROME; PARTIAL ALBINISM AND IMMUNODEFICIENCY SYNDROME. Identifiers: Orphanet 381, Orphanet 79477, MedGen C1868679, MONDO:0011872, OMIM 607624.

Allele frequency attached by ClinVar (database versions not stated): 1000 Genomes Project 0.00359; 1000 Genomes Project 30x 0.00359; gnomAD 0.00713 and 0.00739; TOPMed 0.00756.

Submissions (2):

Illumina Laboratory Services, Illumina
Classification: Likely benign for Griscelli syndrome type 2. Last evaluated: 2018-01-13. Review status: criteria provided, single submitter. Criteria: ICSL Variant Classification Criteria 13 December 2019. Collection method: clinical testing. Allele origin: germline.
Comment: This variant was observed in the ICSL laboratory as part of a predisposition screen in an ostensibly healthy population. It had not been previously curated by ICSL or reported in the Human Gene Mutation Database (HGMD: prior to June 1st, 2018), and was therefore a candidate for classification through an automated scoring system. Utilizing variant allele frequency, disease prevalence and penetrance estimates, and inheritance mode, an automated score was calculated to assess if this variant is too frequent to cause the disease. Based on the score and internal cut-off values, a variant classified as likely benign is not then subjected to further curation. The score for this variant resulted in a classification of likely benign for this disease.

Breakthrough Genomics
Classification: Likely benign. Review status: criteria provided, single submitter. Criteria: ACMG Guidelines, 2015. Collection method: not provided. Allele origin: germline. Inheritance: Autosomal recessive inheritance. Affected: yes.